The following is an entry in ClinVar:

ClinVar aggregate classification (germline): Uncertain significance. Review status: criteria provided, multiple submitters, no conflicts (2 of 4 stars). 2 submissions from 2 submitters: Uncertain significance (2). Last evaluated 2024-10-20.

Conditions:
Inborn genetic diseases. Identifiers: MedGen C0950123, MeSH D030342.
Hereditary spastic paraplegia 50 (SPG50). Also called: Spastic paraplegia 50, autosomal recessive. Identifiers: Orphanet 280763, MedGen C2752008, MONDO:0013048, OMIM 612936.

Allele frequency attached by ClinVar (database versions not stated): gnomAD 0.00001; TOPMed 0.00002.

Submissions (2):

Ambry Genetics
Classification: Uncertain significance for Inborn genetic diseases. Last evaluated: 2024-10-20. Review status: criteria provided, single submitter. Criteria: Ambry Variant Classification Scheme 2023. Collection method: clinical testing. Allele origin: germline.

Labcorp Genetics (formerly Invitae), Labcorp
Classification: Uncertain significance for Hereditary spastic paraplegia 50. Last evaluated: 2022-11-15. Review status: criteria provided, single submitter. Criteria: Invitae Variant Classification Sherloc (09022015). Collection method: clinical testing. Allele origin: germline.
Comment: In summary, the available evidence is currently insufficient to determine the role of this variant in disease. Therefore, it has been classified as a Variant of Uncertain Significance. Algorithms developed to predict the effect of sequence changes on RNA splicing suggest that this variant may create or strengthen a splice site. Advanced modeling of protein sequence and biophysical properties (such as structural, functional, and spatial information, amino acid conservation, physicochemical variation, residue mobility, and thermodynamic stability) performed at Invitae indicates that this missense variant is expected to disrupt AP4M1 protein function. This variant has not been reported in the literature in individuals affected with AP4M1-related conditions. This variant is present in population databases (no rsID available, gnomAD 0.03%). This sequence change replaces arginine, which is basic and polar, with glutamine, which is neutral and polar, at codon 452 of the AP4M1 protein (p.Arg452Gln).

NM_004722.4(AP4M1):c.1355G>A (p.Arg452Gln)

Gene: AP4M1 (adaptor related protein complex 4 subunit mu 1; plus strand). Cytogenetic location: 7q22.1.
Variant type: single nucleotide variant.
Coding change: c.1355G>A on transcript NM_004722.4 (MANE Select); coding-DNA position 1355, G replaced by A.
Protein change: p.Arg452Gln; replaces arginine 452 with glutamine.
Molecular consequence: missense variant.
Genome position (GRCh38, 1-based): chr7:100,106,875, G>A. VCF-style: chr7-100106875-G-A. GRCh37 (hg19) VCF-style: chr7-99704498-G-A.
Other names: c.1376G>A, p.Arg459Gln (NM_001363671.2); short protein forms R459Q, R452Q.
Identifiers: ClinVar variation 2073232 (VCV002073232.6), dbSNP rs1032252497, ClinGen allele CA163220481.
Genomic context (GRCh38, chr7:100,106,875, plus strand): 5'-GCAATGCCAACCCCCACAAGTGGGTGCGACACCTAAGCCACAGCGACGCCTATGTCATTC[G>A]GATCTGAGGCTCCCCAAACGAGGACACGACGGCCAAGGTGGCAGTTTGTCCCACGGGAGG-3'
Protein context (NP_004713.2, residues 442-453): HLSHSDAYVI[Arg452Gln]I